The following is an entry in ClinVar:

NM_002485.5(NBN):c.1255_1258del (p.Asn419fs)

Gene: NBN (nibrin; minus strand). Cytogenetic location: 8q21.3.
Variant type: Deletion.
Coding change: c.1255_1258del on transcript NM_002485.5 (MANE Select); coding-DNA positions 1255 to 1258, 4 bases deleted (AATA; older notation c.1255_1258delAATA).
Protein change: p.Asn419fs; shifts the reading frame from asparagine 419.
Molecular consequence: frameshift variant.
Genome position (GRCh38, 1-based): chr8:89,955,422-89,955,425, TATT deleted on the plus strand (AATA on the coding strand, the reverse complement: NBN is on the minus strand); deleting any 4 consecutive bases within chr8:89,955,422-89,955,426 gives the same sequence; the c. name uses the placement nearest the transcript's 3' end. VCF-style (leftmost placement, unchanged base first): chr8-89955421-GTATT-G. GRCh37 (hg19) VCF-style: chr8-90967649-GTATT-G.
Other names: c.1255_1258delAATA (NM_002485.4, NM_002485.5); c.1009_1012del, p.Asn337fs (NM_001024688.3); short protein forms N337fs, N419fs.
Identifiers: ClinVar variation 530753 (VCV000530753.29), dbSNP rs1238152597, ClinGen allele CA583843908.

ClinVar aggregate classification (germline): Pathogenic/Likely pathogenic. Review status: criteria provided, multiple submitters, no conflicts (2 of 4 stars). 10 submissions from 10 submitters: Pathogenic (5); Likely pathogenic (5). Last evaluated 2025-11-26.

Conditions:
Aplastic anemia. Identifiers: Orphanet 182040, Orphanet 88, MedGen C0002874, MONDO:0015909, OMIM 609135, HP:0001915.
Microcephaly, normal intelligence and immunodeficiency (NBS). Also called: Immunodeficiency, microcephaly with normal intelligence; Ataxia telangiectasia variant V1; IMMUNODEFICIENCY, MICROCEPHALY, AND CHROMOSOMAL INSTABILITY; BERLIN BREAKAGE SYNDROME; SEEMANOVA SYNDROME II; Nijmegen breakage syndrome. Identifiers: Orphanet 647, MedGen C0398791, MONDO:0009623, OMIM 251260.
Acute lymphoid leukemia (ALL). Also called: Lymphoblastic leukemia; Acute lymphoblastic leukemia; Acute lymphocytic leukemia; Leukemia, acute lymphoblastic, somatic. Identifiers: Orphanet 513, MedGen C0023449, MONDO:0004967, OMIM 613065, HP:0006721.
Hereditary cancer-predisposing syndrome. Also called: Neoplastic Syndromes, Hereditary; Hereditary neoplastic syndrome; Tumor predisposition; Hereditary Cancer Syndrome. Identifiers: Orphanet 140162, MedGen C0027672, MeSH D009386, MONDO:0015356.

Submissions (10):

Natera, Inc.
Classification: Likely pathogenic for Nijmegen breakage syndrome. Last evaluated: 2025-11-26. Review status: criteria provided, single submitter. Criteria: Natera Variant Classification Schema (03/2026). Collection method: clinical testing. Allele origin: germline.
Comment: The c.1255_1258delAATA variant in NBN is a frameshift variant predicted to shift the reading frame beginning at codon 419 and leads to a stop codon 5 codons downstream. This variant is expected to result in nonsense mediated decay, truncation, or a dysfunctional protein product. This variant is rare in the general population with a frequency below the threshold expected for the associated phenotype(s). Given the available evidence, this variant is classified as Likely Pathogenic.

Labcorp Genetics (formerly Invitae), Labcorp
Classification: Pathogenic for Microcephaly, normal intelligence and immunodeficiency. Last evaluated: 2025-05-27. Review status: criteria provided, single submitter. Criteria: Invitae Variant Classification Sherloc (09022015). Collection method: clinical testing. Allele origin: germline.
Comment: This sequence change creates a premature translational stop signal (p.Asn419Leufs*5) in the NBN gene. It is expected to result in an absent or disrupted protein product. Loss-of-function variants in NBN are known to be pathogenic (PMID: 9590180, 16415040). This variant is present in population databases (no rsID available, gnomAD 0.008%). This variant has not been reported in the literature in individuals affected with NBN-related conditions. ClinVar contains an entry for this variant (Variation ID: 530753). For these reasons, this variant has been classified as Pathogenic.

Women's Health and Genetics/Laboratory Corporation of America, LabCorp
Classification: Pathogenic for Microcephaly, normal intelligence and immunodeficiency. Last evaluated: 2024-07-09. Review status: criteria provided, single submitter. Criteria: LabCorp Variant Classification Summary - May 2015. Collection method: clinical testing. Allele origin: germline.
Comment: Variant summary: NBN c.1255_1258delAATA (p.Asn419LeufsX5) results in a premature termination codon, predicted to cause a truncation of the encoded protein or absence of the protein due to nonsense mediated decay, which are commonly known mechanisms for disease. The variant allele was found at a frequency of 4e-06 in 251378 control chromosomes. To our knowledge, c.1255_1258delAATA has not been reported in the literature in individuals affected with Nijmegen Breakage Syndrome and no experimental evidence demonstrating an impact on protein function has been reported. The following publication has been ascertained in the context of this evaluation (PMID: 32427313). ClinVar contains an entry for this variant (Variation ID: 530753). Based on the evidence outlined above, the variant was classified as pathogenic.

Baylor Genetics
Classification: Likely pathogenic for Aplastic anemia. Last evaluated: 2024-03-28. Review status: criteria provided, single submitter. Criteria: ACMG Guidelines, 2015. Collection method: clinical testing. Allele origin: unknown.

Fulgent Genetics
Classification: Likely pathogenic for Microcephaly, normal intelligence and immunodeficiency; Aplastic anemia; Acute lymphoid leukemia. Last evaluated: 2024-03-23. Review status: criteria provided, single submitter. Criteria: ACMG Guidelines, 2015. Collection method: clinical testing. Allele origin: germline.

GeneDx
Classification: Likely pathogenic. Last evaluated: 2024-03-11. Review status: criteria provided, single submitter. Criteria: GeneDx Variant Classification Process June 2021. Collection method: clinical testing. Allele origin: germline. Affected: yes.
Comment: Frameshift variant predicted to result in protein truncation or nonsense mediated decay in a gene for which loss of function is a known mechanism of disease; Not observed at significant frequency in large population cohorts (gnomAD); This variant is associated with the following publications: (PMID: 29922827, 32427313)

Ambry Genetics
Classification: Pathogenic for Hereditary cancer-predisposing syndrome. Last evaluated: 2022-08-02. Review status: criteria provided, single submitter. Criteria: Ambry Variant Classification Scheme 2023. Collection method: clinical testing. Allele origin: germline.
Comment: The c.1255_1258delAATA pathogenic mutation, located in coding exon 10 of the NBN gene, results from a deletion of 4 nucleotides at nucleotide positions 1255 to 1258, causing a translational frameshift with a predicted alternate stop codon (p.N419Lfs*5). This alteration is expected to result in loss of function by premature protein truncation or nonsense-mediated mRNA decay. As such, this alteration is interpreted as a disease-causing mutation.

Sema4
Classification: Likely pathogenic for Hereditary cancer-predisposing syndrome. Last evaluated: 2021-11-15. Review status: criteria provided, single submitter. Criteria: Sema4 Curation Guidelines. Collection method: curation. Allele origin: germline.
Comment: To the best of our knowledge, the NBN c.1255_1258del (p.N419Lfs*5) has not been reported in individuals with NBN-related disease. This variant causes a frameshift at amino acid 419 that results in premature termination 5 amino acids downstream. It is predicted to cause loss of normal protein function either through protein truncation or nonsense-mediated mRNA decay. Loss-of-function variants in NBN are known to be pathogenic (PMID: 9590180, 16415040). This variant was observed in 2/24956 chromosomes in the African/African American subpopulation in the large and broad cohorts of the Genome Aggregation Database (PMID: 32461654). This variant has been reported in ClinVar (Variation ID: 530753). Based on the current evidence available, this variant is interpreted as likely pathogenic.

Genome-Nilou Lab
Classification: Pathogenic for Microcephaly, normal intelligence and immunodeficiency. Last evaluated: 2021-11-07. Review status: criteria provided, single submitter. Criteria: ACMG Guidelines, 2015. Collection method: clinical testing. Allele origin: germline. Affected: no.

Revvity Omics, Revvity
Classification: Pathogenic. Last evaluated: 2019-02-18. Review status: criteria provided, single submitter. Criteria: ACMG Guidelines, 2015. Collection method: clinical testing. Allele origin: germline.

Literature cited by the submitters: PubMed 9590180 (cited by Labcorp Genetics (formerly Invitae), Labcorp and Sema4); PubMed 16415040 (cited by Labcorp Genetics (formerly Invitae), Labcorp and Sema4); PubMed 32427313 (cited by Women's Health and Genetics/Laboratory Corporation of America, LabCorp).